The following is an entry in ClinVar:

ClinVar aggregate classification (germline): Likely benign. Review status: criteria provided, multiple submitters, no conflicts (2 of 4 stars). 2 submissions from 2 submitters: Likely benign (2). Last evaluated 2025-10-26.

Conditions:
Hereditary pheochromocytoma and paraganglioma. Also called: Hereditary Paraganglioma-Pheochromocytoma Syndromes; Hereditary paragangliomas and pheochromocytomas; Hereditary pheochromocytoma-paraganglioma. Identifiers: Orphanet 29072, MedGen C4274332, MONDO:0017366.

Allele frequency attached by ClinVar (database versions not stated): TOPMed 0.00001; gnomAD exomes 0.00002 and 0.00006; gnomAD 0.00003 and 0.00004; ESP Exome Variant Server 0.00008; ExAC 0.00010.
gnomAD v4.1: 38 of 1,357,012 alleles (0.0028%); highest among the groups gnomAD compares: Non-Finnish European, 0.0021%; no homozygotes.

Submissions (2):

Labcorp Genetics (formerly Invitae), Labcorp
Classification: Likely benign for Hereditary pheochromocytoma and paraganglioma. Last evaluated: 2025-10-26. Review status: criteria provided, single submitter. Criteria: Invitae Variant Classification Sherloc (09022015). Collection method: clinical testing. Allele origin: germline.

GeneDx
Classification: Likely benign. Last evaluated: 2017-02-21. Review status: criteria provided, single submitter. Criteria: GeneDx Variant Classification (06012015). Collection method: clinical testing. Allele origin: germline. Affected: yes.
Comment: This variant is considered likely benign or benign based on one or more of the following criteria: it is a conservative change, it occurs at a poorly conserved position in the protein, it is predicted to be benign by multiple in silico algorithms, and/or has population frequency not consistent with disease.

NM_002382.5(MAX):c.171+20T>C

Genes: MAX (MYC associated transcriptional regulator X; minus strand), MAX-AS1 (MAX antisense RNA 1; plus strand). Cytogenetic location: 14q23.3.
Variant type: single nucleotide variant.
Coding change: c.171+20T>C on transcript NM_002382.5 (MANE Select); 20 bases into the intron after coding-DNA position 171, T replaced by C.
Molecular consequence: intron variant. On other transcripts: non-coding transcript variant (1).
Genome position (GRCh38, 1-based): chr14:65,093,688, A>G on the plus strand (T>C on the coding strand, the complement: MAX is on the minus strand). VCF-style: chr14-65093688-A-G. GRCh37 (hg19) VCF-style: chr14-65560406-A-G.
Other names: c.144+20T>C (NM_001271069.2, NM_145112.3, NM_001271068.2); c.171+20T>C (NM_197957.4, NM_145113.3, NM_145114.3); c.-104+20T>C (NM_001320415.2).
Identifiers: ClinVar variation 507609 (VCV000507609.8), dbSNP rs374325957, ClinGen allele CA7232972.